The following is an entry in ClinVar:

ClinVar aggregate classification (germline): Uncertain significance (1 of 4 stars; one submission).

Conditions:
Ehlers-Danlos syndrome, dermatosparaxis type. Also called: Dermatosparaxis; EDS VIIC; Ehlers-Danlos syndrome, type VII, autosomal recessive. Identifiers: Orphanet 1901, MedGen C2700425, MONDO:0009161, OMIM 225410.

Submission:

Labcorp Genetics (formerly Invitae), Labcorp
Classification: Uncertain significance for Ehlers-Danlos syndrome, dermatosparaxis type. Last evaluated: 2022-07-19. Review status: criteria provided, single submitter. Criteria: Invitae Variant Classification Sherloc (09022015). Collection method: clinical testing. Allele origin: germline.
Comment: In summary, the available evidence is currently insufficient to determine the role of this variant in disease. Therefore, it has been classified as a Variant of Uncertain Significance. Algorithms developed to predict the effect of missense changes on protein structure and function are either unavailable or do not agree on the potential impact of this missense change (SIFT: "Deleterious"; PolyPhen-2: "Benign"; Align-GVGD: "Class C0"). ClinVar contains an entry for this variant (Variation ID: 1018896). This variant has not been reported in the literature in individuals affected with ADAMTS2-related conditions. This variant is not present in population databases (gnomAD no frequency). This sequence change replaces proline, which is neutral and non-polar, with histidine, which is basic and polar, at codon 126 of the ADAMTS2 protein (p.Pro126His).

NM_014244.5(ADAMTS2):c.377C>A (p.Pro126His)

Gene: ADAMTS2 (ADAM metallopeptidase with thrombospondin type 1 motif 2; minus strand). Cytogenetic location: 5q35.3.
Variant type: single nucleotide variant.
Coding change: c.377C>A on transcript NM_014244.5 (MANE Select); coding-DNA position 377, C replaced by A.
Protein change: p.Pro126His; replaces proline 126 with histidine.
Molecular consequence: missense variant.
Genome position (GRCh38, 1-based): chr5:179,343,924, G>T on the plus strand (C>A on the coding strand, the complement: ADAMTS2 is on the minus strand). VCF-style: chr5-179343924-G-T. GRCh37 (hg19) VCF-style: chr5-178770925-G-T.
Other names: c.377C>A, p.Pro126His (NM_021599.4); short protein forms P126H.
Identifiers: ClinVar variation 1018896 (VCV001018896.9), dbSNP rs1247479642, ClinGen allele CA362622775.